The following is an entry in ClinVar:

ClinVar aggregate classification (germline): Uncertain significance (1 of 4 stars; one submission).

Conditions:
Treacher Collins syndrome 1 (TCS1). Also called: TCOF1-Related Treacher Collins Syndrome. Identifiers: Orphanet 861, MedGen CN315775, MONDO:0007944, OMIM 154500.

Allele frequency attached by ClinVar (database versions not stated): gnomAD 0.00001; ExAC 0.00003; TOPMed 0.00003; ESP Exome Variant Server 0.00008.
gnomAD v4.1: 38 of 1,613,454 alleles (0.0024%); highest among the groups gnomAD compares: South Asian, 0.011%; no homozygotes.

Submission:

Labcorp Genetics (formerly Invitae), Labcorp
Classification: Uncertain significance for Treacher Collins syndrome 1. Last evaluated: 2018-08-07. Review status: criteria provided, single submitter. Criteria: Invitae Variant Classification Sherloc (09022015). Collection method: clinical testing. Allele origin: germline.
Comment: This variant has not been reported in the literature in individuals with TCOF1-related disease. This sequence change replaces valine with methionine at codon 1006 of the TCOF1 protein (p.Val1006Met). The valine residue is moderately conserved and there is a small physicochemical difference between valine and methionine. This variant is present in population databases (rs368011460, ExAC 0.01%). Algorithms developed to predict the effect of missense changes on protein structure and function output the following: SIFT: "Tolerated"; PolyPhen-2: "Benign"; Align-GVGD: "Class C0". The methionine amino acid residue is found in multiple mammalian species, suggesting that this missense change does not adversely affect protein function. These predictions have not been confirmed by published functional studies and their clinical significance is uncertain. In summary, the available evidence is currently insufficient to determine the role of this variant in disease. Therefore, it has been classified as a Variant of Uncertain Significance.

NM_001371623.1(TCOF1):c.3016G>A (p.Val1006Met)

Gene: TCOF1 (treacle ribosome biogenesis factor 1; plus strand). Cytogenetic location: 5q32.
Variant type: single nucleotide variant.
Coding change: c.3016G>A on transcript NM_001371623.1 (MANE Select); coding-DNA position 3016, G replaced by A.
Protein change: p.Val1006Met; replaces valine 1006 with methionine.
Molecular consequence: missense variant.
Genome position (GRCh38, 1-based): chr5:150,388,058, G>A. VCF-style: chr5-150388058-G-A. GRCh37 (hg19) VCF-style: chr5-149767621-G-A.
Other names: c.2785G>A, p.Val929Met (NM_000356.4, NM_001135245.2); c.3016G>A, p.Val1006Met (NM_001135243.2, NM_001135244.2, NM_001195141.2); short protein forms V1006M, V929M.
Identifiers: ClinVar variation 647280 (VCV000647280.9), dbSNP rs368011460, ClinGen allele CA3511367.